The following is an entry in ClinVar:

NM_017791.3(FLVCR2):c.1351A>C (p.Ile451Leu)

Gene: FLVCR2 (FLVCR choline and putative heme transporter 2; plus strand). Cytogenetic location: 14q24.3.
Variant type: single nucleotide variant.
Coding change: c.1351A>C on transcript NM_017791.3 (MANE Select); coding-DNA position 1351, A replaced by C.
Protein change: p.Ile451Leu; replaces isoleucine 451 with leucine.
Molecular consequence: missense variant.
Genome position (GRCh38, 1-based): chr14:75,641,191, A>C. VCF-style: chr14-75641191-A-C. GRCh37 (hg19) VCF-style: chr14-76107534-A-C.
Other names: c.736A>C, p.Ile246Leu (NM_001195283.2); short protein forms I246L, I451L.
Identifiers: ClinVar variation 2021886 (VCV002021886.1), dbSNP rs750698284, ClinGen allele CA390462670.

ClinVar aggregate classification (germline): Uncertain significance (1 of 4 stars; one submission).

Submission:

Labcorp Genetics (formerly Invitae), Labcorp
Classification: Uncertain significance. Last evaluated: 2022-08-06. Review status: criteria provided, single submitter. Criteria: Invitae Variant Classification Sherloc (09022015). Collection method: clinical testing. Allele origin: germline.
Comment: This sequence change replaces isoleucine, which is neutral and non-polar, with leucine, which is neutral and non-polar, at codon 451 of the FLVCR2 protein (p.Ile451Leu). This variant is not present in population databases (gnomAD no frequency). This variant has not been reported in the literature in individuals affected with FLVCR2-related conditions. Algorithms developed to predict the effect of missense changes on protein structure and function (SIFT, PolyPhen-2, Align-GVGD) all suggest that this variant is likely to be tolerated. In summary, the available evidence is currently insufficient to determine the role of this variant in disease. Therefore, it has been classified as a Variant of Uncertain Significance.